The following is an entry in ClinVar:

ClinVar aggregate classification (germline): Uncertain significance. Review status: criteria provided, multiple submitters, no conflicts (2 of 4 stars). 3 submissions from 3 submitters: Uncertain significance (3). Last evaluated 2025-12-21.

Conditions:
Brugada syndrome 5 (BRGDA5). Identifiers: Orphanet 130, Orphanet 871, MedGen C2748541, MONDO:0013015, OMIM 612838.

gnomAD v4.1: 18 of 1,551,510 alleles (0.0012%); highest among the groups gnomAD compares: Non-Finnish European, 0.0011%; no homozygotes.

Submissions (3):

Labcorp Genetics (formerly Invitae), Labcorp
Classification: Uncertain significance for Brugada syndrome 5. Last evaluated: 2025-12-21. Review status: criteria provided, single submitter. Criteria: Invitae Variant Classification Sherloc (09022015). Collection method: clinical testing. Allele origin: germline.
Comment: This sequence change replaces cysteine, which is neutral and slightly polar, with phenylalanine, which is neutral and non-polar, at codon 262 of the SCN1B protein (p.Cys262Phe). This variant is present in population databases (no rsID available, gnomAD 0.01%). This variant has not been reported in the literature in individuals affected with SCN1B-related conditions. ClinVar contains an entry for this variant (Variation ID: 933627). An algorithm developed to predict the effect of missense changes on protein structure and function (PolyPhen-2) suggests that this variant is likely to be disruptive. In summary, the available evidence is currently insufficient to determine the role of this variant in disease. Therefore, it has been classified as a Variant of Uncertain Significance.

Women's Health and Genetics/Laboratory Corporation of America, LabCorp
Classification: Uncertain significance. Last evaluated: 2023-11-03. Review status: criteria provided, single submitter. Criteria: LabCorp Variant Classification Summary - May 2015. Collection method: clinical testing. Allele origin: germline.
Comment: Variant summary: SCN1B c.785G>T (p.Cys262Phe) results in a non-conservative amino acid change in the encoded protein sequence. Three of five in-silico tools predict a benign effect of the variant on protein function. The variant allele was found at a frequency of 3.2e-05 in 154118 control chromosomes (gnomAD). The available data on variant occurrences in the general population are insufficient to allow any conclusion about variant significance. To our knowledge, no occurrence of c.785G>T in individuals affected with SCN1B-Related Disorders and no experimental evidence demonstrating its impact on protein function have been reported. One submitter has cited a clinical-significance assessment for this variant to ClinVar after 2014 and has classified the variant as uncertain significance. Based on the evidence outlined above, the variant was classified as uncertain significance.

Blueprint Genetics
Classification: Uncertain significance. Last evaluated: 2023-04-03. Review status: criteria provided, single submitter. Criteria: ACMG Guidelines, 2015. Collection method: clinical testing. Allele origin: germline.

NM_001037.5(SCN1B):c.448+337G>T

Gene: SCN1B (sodium voltage-gated channel beta subunit 1; plus strand). Cytogenetic location: 19q13.11.
Variant type: single nucleotide variant.
Coding change: c.448+337G>T on transcript NM_001037.5 (MANE Select); 337 bases into the intron after coding-DNA position 448, G replaced by T.
Molecular consequence: intron variant. On other transcripts: missense variant (1).
Genome position (GRCh38, 1-based): chr19:35,034,076, G>T. VCF-style: chr19-35034076-G-T. GRCh37 (hg19) VCF-style: chr19-35524980-G-T.
Other names: c.785G>T, p.Cys262Phe (NM_199037.5); c.349+337G>T (NM_001321605.2); short protein forms C262F.
Identifiers: ClinVar variation 933627 (VCV000933627.11), dbSNP rs369032304, ClinGen allele CA405329846.
Genomic context (GRCh38, chr19:35,034,076, plus strand): 5'-GGTGCCTTCTGTCTCTGAGCCAAAGGGTTGTCCTGGGCTTGCCCGGGATAATAATCCGAT[G>T]TGTTTCTCGGGGTGTGGTTTGAGCCATTCTTCCATCATGGGGTTCATGAGGATTGAGCAG-3'